The following is an entry in ClinVar:

ClinVar aggregate classification (germline): Uncertain significance (1 of 4 stars; one submission).

Conditions:
Acne inversa, familial, 2 (ACNINV2). Also called: ACNE INVERSA, FAMILIAL, 2, WITH OR WITHOUT DOWLING-DEGOS DISEASE. Identifiers: MedGen C3151037, MONDO:0013397, OMIM 613736.

Submission:

Juno Genomics, Hangzhou Juno Genomics, Inc
Classification: Uncertain significance for Acne inversa, familial, 2. Review status: criteria provided, single submitter. Criteria: ACMG Guidelines, 2015. Collection method: clinical testing. Allele origin: germline.
Comment: Absent from controls (or at extremely low frequency if recessive) in Genome Aggregation Database.;Multiple lines of computational evidence support a deleterious effect on the gene or gene product.

NM_172341.4(PSENEN):c.53A>G (p.Tyr18Cys)

Gene: PSENEN (presenilin enhancer, gamma-secretase subunit; plus strand). Cytogenetic location: 19q13.12.
Variant type: single nucleotide variant.
Coding change: c.53A>G on transcript NM_172341.4 (MANE Select); coding-DNA position 53, A replaced by G.
Protein change: p.Tyr18Cys; replaces tyrosine 18 with cysteine.
Molecular consequence: missense variant.
Genome position (GRCh38, 1-based): chr19:35,745,983, A>G. VCF-style: chr19-35745983-A-G. GRCh37 (hg19) VCF-style: chr19-36236884-A-G.
Other names: c.53A>G, p.Tyr18Cys (NM_001281532.3); short protein forms Y18C.
Identifiers: ClinVar variation 5005967 (VCV005005967.2).
Genomic context (GRCh38, chr19:35,745,983, plus strand): 5'-GCGCAGCTATGAACCTGGAGCGAGTGTCCAATGAGGAGAAATTGAACCTGTGCCGGAAGT[A>G]CTACCTGGGTAAGGCAGATCGCTAGGGTCCCAGGAGAAGAGAGGGGACTGGACTAGAGCA-3'
Protein context (NP_758844.1, residues 8-28): NEEKLNLCRK[Tyr18Cys]YLGGFAFLPF